The following is an entry in ClinVar:

ClinVar aggregate classification (germline): Uncertain significance (1 of 4 stars; one submission).

Conditions:
Complex cortical dysplasia with other brain malformations 1. Identifiers: Orphanet 300570, MedGen C3808397, MONDO:0013541, OMIM 614039.

Allele frequency attached by ClinVar (database versions not stated): gnomAD exomes below 0.00001.
gnomAD v4.1: 1 of 1,614,158 alleles (0.000062%); highest among the groups gnomAD compares: Non-Finnish European, 0.000085%; no homozygotes.

Submission:

Neuberg Centre For Genomic Medicine, NCGM
Classification: Uncertain significance for Complex cortical dysplasia with other brain malformations 1. Review status: criteria provided, single submitter. Criteria: ACMG Guidelines, 2015. Collection method: clinical testing. Allele origin: germline. Inheritance: Autosomal dominant inheritance. Affected: yes.
Comment: The missense variant in c.958C>T(p.Arg320Cys) in TUBB3 gene has not been reported previously as a pathogenic variant nor as a benign variant, to our knowledge. The p.Arg320Cys variant is novel (not in any individuals) in gnomAD Exomes and 1000 Genomes. This variant has not been reported to the ClinVar database. The amino acid change p.Arg320Cys in TUBB3 is predicted as conserved by GERP++ and PhyloP across 100 vertebrates. The amino acid Arg at position 320 is changed to a Cys changing protein sequence and it might alter its composition and physico-chemical properties. For these reasons, this variant has been classified as Uncertain Significance (VUS).

NM_006086.4(TUBB3):c.958C>T (p.Arg320Cys)

Gene: TUBB3 (tubulin beta 3 class III; plus strand). Cytogenetic location: 16q24.3.
Variant type: single nucleotide variant.
Coding change: c.958C>T on transcript NM_006086.4 (MANE Select); coding-DNA position 958, C replaced by T.
Protein change: p.Arg320Cys; replaces arginine 320 with cysteine.
Molecular consequence: missense variant.
Genome position (GRCh38, 1-based): chr16:89,935,409, C>T. VCF-style: chr16-89935409-C-T. GRCh37 (hg19) VCF-style: chr16-90001817-C-T.
Other names: c.742C>T, p.Arg248Cys (NM_001197181.2); short protein forms R248C, R320C.
Identifiers: ClinVar variation 2584963 (VCV002584963.1), dbSNP rs2030422257, ClinGen allele CA397476121.